The following is an entry in ClinVar:

ClinVar aggregate classification (germline): Pathogenic (1 of 4 stars; one submission).

Conditions:
Hereditary breast ovarian cancer syndrome. Also called: Hereditary breast and ovarian cancer syndrome; Hereditary breast and ovarian cancer; Hereditary breast and ovarian cancer syndrome (HBOC); Hereditary breast and/or ovarian cancer syndrome; Breast and ovarian cancer; BRCA1- and BRCA2-Associated Hereditary Breast and Ovarian Cancer. Identifiers: Orphanet 145, MedGen C0677776, MeSH D061325, MONDO:0003582. Disease mechanism: loss of function.

Submission:

Labcorp Genetics (formerly Invitae), Labcorp
Classification: Pathogenic for Hereditary breast ovarian cancer syndrome. Last evaluated: 2025-04-11. Review status: criteria provided, single submitter. Criteria: Invitae Variant Classification Sherloc (09022015). Collection method: clinical testing. Allele origin: germline.
Comment: This sequence change creates a premature translational stop signal (p.Glu626Lysfs*18) in the BRCA2 gene. It is expected to result in an absent or disrupted protein product. Loss-of-function variants in BRCA2 are known to be pathogenic (PMID: 20104584). This variant is not present in population databases (gnomAD no frequency). This variant has not been reported in the literature in individuals affected with BRCA2-related conditions. ClinVar contains an entry for this variant (Variation ID: 2717371). Algorithms developed to predict the effect of sequence changes on RNA splicing suggest that this variant may disrupt the consensus splice site. For these reasons, this variant has been classified as Pathogenic.

Literature cited by the submitters: PubMed 20104584.

NM_000059.4(BRCA2):c.1876del (p.Glu626fs)

Gene: BRCA2 (BRCA2 DNA repair associated; plus strand). Cytogenetic location: 13q13.1.
Variant type: Deletion.
Coding change: c.1876del on transcript NM_000059.4 (MANE Select); coding-DNA position 1876, one base deleted (G; older notation c.1876delG).
Protein change: p.Glu626fs; shifts the reading frame from glutamic acid 626.
Molecular consequence: frameshift variant. On other transcripts: non-coding transcript variant (1), intron variant (1).
Genome position (GRCh38, 1-based): chr13:32,333,354, G deleted. VCF-style (leftmost placement, unchanged base first): chr13-32333353-TG-T. GRCh37 (hg19) VCF-style: chr13-32907490-TG-T.
Other names: c.1876del, p.Glu626fs (NM_001406719.1, NM_001406720.1, NM_001406721.1); c.424+2324del (NM_001406722.1); short protein forms E626fs.
Identifiers: ClinVar variation 2717371 (VCV002717371.3), dbSNP rs2548521239, ClinGen allele CA2697551745.